The following is an entry in ClinVar:

ClinVar aggregate classification (germline): Benign/Likely benign. Review status: criteria provided, multiple submitters, no conflicts (2 of 4 stars). 4 submissions from 4 submitters: Benign (1); Likely benign (3). Last evaluated 2025-07-30.

Conditions:
Cardiovascular phenotype. Identifiers: MedGen CN230736.
Long QT syndrome (LQTS). Identifiers: MedGen C0023976, MeSH D008133, MONDO:0002442. Disease mechanism: loss of function. Inheritance: Various modes of inheritance.

Allele frequency attached by ClinVar (database versions not stated): gnomAD exomes 0.00001; gnomAD 0.00002; TOPMed 0.00003; ESP Exome Variant Server 0.00008.
gnomAD v4.1: 26 of 1,607,608 alleles (0.0016%); highest among the groups gnomAD compares: African/African-American, 0.004%; no homozygotes.

Submissions (4):

Labcorp Genetics (formerly Invitae), Labcorp
Classification: Likely benign for Long QT syndrome. Last evaluated: 2025-07-30. Review status: criteria provided, single submitter. Criteria: Invitae Variant Classification Sherloc (09022015). Collection method: clinical testing. Allele origin: germline.

Molecular Diagnostic Laboratory for Inherited Cardiovascular Disease, Montreal Heart Institute
Classification: Benign. Last evaluated: 2025-04-09. Review status: criteria provided, single submitter. Criteria: ACMG Guidelines, 2015. Collection method: clinical testing. Allele origin: germline. Affected: no.

CeGaT Center for Human Genetics Tuebingen
Classification: Likely benign. Last evaluated: 2022-04-01. Review status: criteria provided, single submitter. Criteria: CeGaT Center For Human Genetics Tuebingen Variant Classification Criteria Version 2. Collection method: clinical testing. Allele origin: germline. Affected: yes. Observed: 1 variant allele.
Comment: CACNA1C: BP4

Ambry Genetics
Classification: Likely benign for Cardiovascular phenotype. Last evaluated: 2016-07-08. Review status: criteria provided, single submitter. Criteria: Ambry Variant Classification Scheme 2023. Collection method: clinical testing. Allele origin: germline.

NM_000719.7(CACNA1C):c.5148C>T (p.Ser1716=)

Genes: CACNA1C (calcium voltage-gated channel subunit alpha1 C; plus strand), CACNA1C-AS1 (CACNA1C antisense RNA 1; minus strand). Cytogenetic location: 12p13.33.
Variant type: single nucleotide variant.
Coding change: c.5148C>T on transcript NM_000719.7 (MANE Select); coding-DNA position 5148, C replaced by T.
Protein change: p.Ser1716=; no amino-acid change (serine 1716 retained).
Molecular consequence: synonymous variant.
Genome position (GRCh38, 1-based): chr12:2,679,500, C>T. VCF-style: chr12-2679500-C-T. GRCh37 (hg19) VCF-style: chr12-2788666-C-T.
Other names: c.5292C>T (NM_199460.3); c.5292C>T, p.Ser1764= (NM_001129827.2, NM_199460.4); c.5271C>T, p.Ser1757= (NM_001129829.2); c.5148C>T, p.Ser1716= (NM_001129830.3, NM_001129840.2, NM_001129841.2 and 4 more transcripts); c.5232C>T, p.Ser1744= (NM_001129831.2); c.5208C>T, p.Ser1736= (NM_001129832.2); c.5205C>T, p.Ser1735= (NM_001129833.2, NM_001129834.2, NM_001129835.2); c.5199C>T, p.Ser1733= (NM_001129836.2); and 4 more.
Identifiers: ClinVar variation 519290 (VCV000519290.41), dbSNP rs371262001, ClinGen allele CA231610967.